The following is an entry in ClinVar:

ClinVar aggregate classification (germline): Conflicting classifications of pathogenicity. Review status: criteria provided, conflicting classifications (1 of 4 stars). 7 submissions from 7 submitters: Uncertain significance (6); Likely benign (1). Last evaluated 2025-12-24.

Conditions:
Cardiovascular phenotype. Identifiers: MedGen CN230736.
Arrhythmogenic right ventricular dysplasia 8 (ARVD8). Also called: ARRHYTHMOGENIC RIGHT VENTRICULAR DYSPLASIA, FAMILIAL, 8; ARRHYTHMOGENIC RIGHT VENTRICULAR CARDIOMYOPATHY 8; Arrhythmogenic Right Ventricular Dysplasia/Cardiomyopathy 8. Identifiers: MedGen C1843896, MONDO:0011831, OMIM 607450.
Arrhythmogenic cardiomyopathy with wooly hair and keratoderma. Also called: Carvajal syndrome; Arrhythmogenic cardiomyopathy with woolly hair and keratoderma; PALMOPLANTAR KERATODERMA WITH LEFT VENTRICULAR CARDIOMYOPATHY AND WOOLLY HAIR; Dilated cardiomyopathy with woolly hair and keratoderma. Identifiers: Orphanet 65282, MedGen C1854063, MONDO:0011581, OMIM 605676.
Cardiomyopathy (CMYO). Also called: Cardiomyopathies. Identifiers: Orphanet 167848, MedGen C0878544, MONDO:0004994, HP:0001638. Inheritance: Various modes of inheritance.

Allele frequency attached by ClinVar (database versions not stated): ExAC 0.00001; gnomAD 0.00001; gnomAD exomes 0.00001 and 0.00002; TOPMed 0.00002.

Submissions (7):

Labcorp Genetics (formerly Invitae), Labcorp
Classification: Likely benign for Arrhythmogenic cardiomyopathy with wooly hair and keratoderma; Arrhythmogenic right ventricular dysplasia 8. Last evaluated: 2025-12-24. Review status: criteria provided, single submitter. Criteria: Invitae Variant Classification Sherloc (09022015). Collection method: clinical testing. Allele origin: germline.

Molecular Diagnostic Laboratory for Inherited Cardiovascular Disease, Montreal Heart Institute
Classification: Uncertain significance for Cardiovascular phenotype. Last evaluated: 2025-02-17. Review status: criteria provided, single submitter. Criteria: ACMG Guidelines, 2015. Collection method: clinical testing. Allele origin: germline. Affected: yes.
Comment: PM2

Blueprint Genetics
Classification: Uncertain significance. Last evaluated: 2024-11-20. Review status: criteria provided, single submitter. Criteria: ACMG Guidelines, 2015. Collection method: clinical testing. Allele origin: germline.

All of Us Research Program, National Institutes of Health
Classification: Uncertain significance for Arrhythmogenic cardiomyopathy with wooly hair and keratoderma. Last evaluated: 2023-02-24. Review status: criteria provided, single submitter. Criteria: ACMG Guidelines, 2015. Collection method: clinical testing. Allele origin: germline. Inheritance: Autosomal dominant inheritance. Observed: 1 variant allele, 1 heterozygote.
Comment: This missense variant replaces arginine with glutamine at codon 129 of the DSP protein. Computational prediction suggests that this variant may not impact protein structure and function (internally defined REVEL score threshold <= 0.5, PMID: 27666373). To our knowledge, functional studies have not been reported for this variant. This variant has not been reported in individuals affected with DSP-related disorders in the literature. This variant has been identified in 3/251396 chromosomes in the general population by the Genome Aggregation Database (gnomAD). The available evidence is insufficient to determine the role of this variant in disease conclusively. Therefore, this variant is classified as a Variant of Uncertain Significance.

This study involves interpretation of variants in research participants for the purpose of population health screening. Participant phenotype was not available at the time of variant classification. Additional details can be found in publication PMID: 35346344, PMCID: PMC8962531

CHEO Genetics Diagnostic Laboratory, Children's Hospital of Eastern Ontario
Classification: Uncertain significance for Cardiomyopathy. Last evaluated: 2017-11-17. Review status: criteria provided, single submitter. Criteria: ACMG Guidelines, 2015. Collection method: clinical testing. Allele origin: germline.

Biesecker Lab/Clinical Genomics Section, National Institutes of Health
Classification: Uncertain significance. Last evaluated: 2013-06-24. Review status: criteria provided, single submitter. Criteria: Ng et al. (Circ Cardiovasc Genet. 2013). Collection method: research. Allele origin: unknown. Observed: 1 variant allele. Study: ClinSeq.
Comment: The study set was not selected for affection status in relation to any cancer. Pathogenicity categories were based on literature curation. See Pubmed ID:23861362 for details.

Medical sequencing

Breakthrough Genomics
Classification: Uncertain significance. Review status: criteria provided, single submitter. Criteria: ACMG Guidelines, 2015. Collection method: not provided. Allele origin: germline. Inheritance: Autosomal recessive inheritance. Affected: yes.

NM_004415.4(DSP):c.386G>A (p.Arg129Gln)

Gene: DSP (desmoplakin; plus strand). Cytogenetic location: 6p24.3.
Variant type: single nucleotide variant.
Coding change: c.386G>A on transcript NM_004415.4 (MANE Select); coding-DNA position 386, G replaced by A.
Protein change: p.Arg129Gln; replaces arginine 129 with glutamine.
Molecular consequence: missense variant.
Genome position (GRCh38, 1-based): chr6:7,558,228, G>A. VCF-style: chr6-7558228-G-A. GRCh37 (hg19) VCF-style: chr6-7558461-G-A.
Other names: c.386G>A (NM_004415.3, LRG_423t1); c.386G>A, p.Arg129Gln (NM_001008844.3, NM_001319034.2); short protein forms R129Q.
Identifiers: ClinVar variation 191634 (VCV000191634.12), dbSNP rs749155619, ClinGen allele CA005938.